The following is an entry in ClinVar:

NM_004984.4(KIF5A):c.465C>T (p.Ser155=)

Gene: KIF5A (kinesin family member 5A; plus strand). Cytogenetic location: 12q13.3.
Variant type: single nucleotide variant.
Coding change: c.465C>T on transcript NM_004984.4 (MANE Select); coding-DNA position 465, C replaced by T.
Protein change: p.Ser155=; no amino-acid change (serine 155 retained).
Molecular consequence: synonymous variant.
Genome position (GRCh38, 1-based): chr12:57,564,937, C>T. VCF-style: chr12-57564937-C-T. GRCh37 (hg19) VCF-style: chr12-57958720-C-T.
Other names: c.198C>T, p.Ser66= (NM_001354705.2).
Identifiers: ClinVar variation 1591351 (VCV001591351.32), dbSNP rs747071818, ClinGen allele CA6652598.

ClinVar aggregate classification (germline): Likely benign. Review status: criteria provided, multiple submitters, no conflicts (2 of 4 stars). 2 submissions from 2 submitters: Likely benign (2). Last evaluated 2025-10-28.

Conditions:
Spastic paraplegia. Identifiers: MedGen C0037772, HP:0001258.

Allele frequency attached by ClinVar (database versions not stated): gnomAD 0.00001 and 0.00002; TOPMed 0.00002; ExAC 0.00003; gnomAD exomes 0.00003 and 0.00004.
gnomAD v4.1: 49 of 1,613,992 alleles (0.003%); highest among the groups gnomAD compares: South Asian, 0.019%; no homozygotes.

Submissions (2):

Labcorp Genetics (formerly Invitae), Labcorp
Classification: Likely benign for Spastic paraplegia. Last evaluated: 2025-10-28. Review status: criteria provided, single submitter. Criteria: Invitae Variant Classification Sherloc (09022015). Collection method: clinical testing. Allele origin: germline.

CeGaT Center for Human Genetics Tuebingen
Classification: Likely benign. Last evaluated: 2023-04-01. Review status: criteria provided, single submitter. Criteria: CeGaT Center For Human Genetics Tuebingen Variant Classification Criteria Version 2. Collection method: clinical testing. Allele origin: germline. Affected: yes. Observed: 1 variant allele.
Comment: KIF5A: BP4, BP7